The following is an entry in ClinVar:

ClinVar aggregate classification (germline): Pathogenic (0 of 4 stars; one submission).

Conditions:
Pseudohypoaldosteronism type 2A (PHA2A). Also called: GORDON HYPERKALEMIA-HYPERTENSION SYNDROME; HYPERTENSIVE HYPERKALEMIA, FAMILIAL. Identifiers: Orphanet 757, Orphanet 88938, MedGen C1840389, MONDO:0007772, OMIM 145260.

Submission:

Richard Lifton Laboratory, Yale University School of Medicine
Classification: Pathogenic for Pseudohypoaldosteronism, type 2. Review status: no assertion criteria provided. Collection method: not provided. Allele origin: germline.
Comment: recessive;intron 7 splice donor;BACK domain
ClinVar note: Converted during submission from pathogenic to Pathogenic.

NM_017415.3(KLHL3):c.753+1G>A

Gene: KLHL3 (kelch like family member 3; minus strand). Cytogenetic location: 5q31.2.
Variant type: single nucleotide variant.
Coding change: c.753+1G>A on transcript NM_017415.3 (MANE Select); the canonical splice donor site of the intron after coding-DNA position 753, G replaced by A.
Molecular consequence: splice donor variant.
Genome position (GRCh38, 1-based): chr5:137,661,914, C>T on the plus strand (G>A on the coding strand, the complement: KLHL3 is on the minus strand). VCF-style: chr5-137661914-C-T. GRCh37 (hg19) VCF-style: chr5-136997603-C-T.
Other names: EX7_g(+1)a; c.657+1G>A (NM_001257194.1); c.507+1G>A (NM_001257195.2).
Identifiers: ClinVar variation 100529 (VCV000100529.3), dbSNP rs199469648, ClinGen allele CA269970.